The following is an entry in ClinVar:

ClinVar aggregate classification (germline): Likely benign (1 of 4 stars; one submission).

Allele frequency attached by ClinVar (database versions not stated): gnomAD exomes below 0.00001; TOPMed below 0.00001; gnomAD 0.00001.
gnomAD v4.1: 7 of 1,614,086 alleles (0.00043%); highest among the groups gnomAD compares: Non-Finnish European, 0.00051%; no homozygotes.

Submission:

CeGaT Center for Human Genetics Tuebingen
Classification: Likely benign. Last evaluated: 2023-09-01. Review status: criteria provided, single submitter. Criteria: CeGaT Center For Human Genetics Tuebingen Variant Classification Criteria Version 2. Collection method: clinical testing. Allele origin: germline. Affected: yes. Observed: 1 variant allele.
Comment: ARNT2: BP4, BP7

NM_014862.4(ARNT2):c.828A>G (p.Gln276=)

Gene: ARNT2 (aryl hydrocarbon receptor nuclear translocator 2; plus strand). Cytogenetic location: 15q25.1.
Variant type: single nucleotide variant.
Coding change: c.828A>G on transcript NM_014862.4 (MANE Select); coding-DNA position 828, A replaced by G.
Protein change: p.Gln276=; no amino-acid change (glutamine 276 retained).
Molecular consequence: synonymous variant.
Genome position (GRCh38, 1-based): chr15:80,514,356, A>G. VCF-style: chr15-80514356-A-G. GRCh37 (hg19) VCF-style: chr15-80806697-A-G.
Identifiers: ClinVar variation 2645628 (VCV002645628.24), dbSNP rs1292651715, ClinGen allele CA491734684.
Genomic context (GRCh38, chr15:80,514,356, plus strand): 5'-AATTTCACAAATGTTCTTTTTTAGGAATGGCCTTGGCCCTGTGAAAGAAGGAGAAGCCCA[A>G]TATGCTGTGGTCCACTGTACAGGATACATCAAGGCCTGGCCACCAGCAGGTAAGGAGACC-3'
Protein context (NP_055677.3, residues 266-286): GLGPVKEGEA[Gln276=]YAVVHCTGYI